The following is an entry in ClinVar:

ClinVar aggregate classification (germline): Uncertain significance (1 of 4 stars; one submission).

Submission:

Labcorp Genetics (formerly Invitae), Labcorp
Classification: Uncertain significance. Last evaluated: 2017-06-26. Review status: criteria provided, single submitter. Criteria: Invitae Variant Classification Sherloc (09022015). Collection method: clinical testing. Allele origin: germline.
Comment: In summary, the available evidence is currently insufficient to determine the role of this variant in disease. Therefore, it has been classified as a Variant of Uncertain Significance. Algorithms developed to predict the effect of missense changes on protein structure and function do not agree on the potential impact of this missense change (SIFT: "Deleterious"; PolyPhen-2: "Probably Damaging"; Align-GVGD: "Class C0"). This variant has not been reported in the literature in individuals with ADNP-related disease. This variant is not present in population databases (ExAC no frequency). This sequence change replaces cysteine with arginine at codon 687 of the ADNP protein (p.Cys687Arg). The cysteine residue is highly conserved and there is a large physicochemical difference between cysteine and arginine.

NM_001282531.3(ADNP):c.2059T>C (p.Cys687Arg)

Gene: ADNP (activity dependent neuroprotector homeobox; minus strand). Cytogenetic location: 20q13.13.
Variant type: single nucleotide variant.
Coding change: c.2059T>C on transcript NM_001282531.3 (MANE Select); coding-DNA position 2059, T replaced by C.
Protein change: p.Cys687Arg; replaces cysteine 687 with arginine.
Molecular consequence: missense variant.
Genome position (GRCh38, 1-based): chr20:50,892,655, A>G on the plus strand (T>C on the coding strand, the complement: ADNP is on the minus strand). VCF-style: chr20-50892655-A-G. GRCh37 (hg19) VCF-style: chr20-49509192-A-G.
Other names: c.2059T>C, p.Cys687Arg (NM_001282532.2, NM_001347511.2, NM_015339.5 and 1 more transcripts); short protein forms C687R.
Identifiers: ClinVar variation 1052737 (VCV001052737.9), dbSNP rs2122747918, ClinGen allele CA408971311.
Genomic context (GRCh38, chr20:50,892,655, plus strand): 5'-TAAGCCGAGAGGGTGCATTTGTCTTATCCTGGCCATTTTGGGTCTTTCCAACGCCCCTGC[A>G]GTGAACTAGATGCAGAGTGATAGTTGAGGCGGTCATGTTGCTGGTATACACACCAAGGCA-3'
Protein context (NP_001269460.1, residues 677-697): ASTITLHLVH[Cys687Arg]RGVGKTQNGQ